The following is an entry in ClinVar:

ClinVar aggregate classification (germline): Uncertain significance. Review status: criteria provided, multiple submitters, no conflicts (2 of 4 stars). 2 submissions from 2 submitters: Uncertain significance (2). Last evaluated 2026-03-17.

Conditions:
Inborn genetic diseases. Identifiers: MedGen C0950123, MeSH D030342.
Nemaline myopathy 2 (NEM2). Also called: Nemaline myopathy 2, autosomal recessive. Identifiers: MedGen C1850569, MONDO:0009725, OMIM 256030.

Submissions (2):

Ambry Genetics
Classification: Uncertain significance for Inborn genetic diseases. Last evaluated: 2026-03-17. Review status: criteria provided, single submitter. Criteria: Ambry Variant Classification Scheme 2023. Collection method: clinical testing. Allele origin: germline.

Labcorp Genetics (formerly Invitae), Labcorp
Classification: Uncertain significance for Nemaline myopathy 2. Last evaluated: 2022-06-27. Review status: criteria provided, single submitter. Criteria: Invitae Variant Classification Sherloc (09022015). Collection method: clinical testing. Allele origin: germline.
Comment: This sequence change replaces glutamine, which is neutral and polar, with glutamic acid, which is acidic and polar, at codon 8302 of the NEB protein (p.Gln8302Glu). This variant is not present in population databases (gnomAD no frequency). This variant has not been reported in the literature in individuals affected with NEB-related conditions. Algorithms developed to predict the effect of missense changes on protein structure and function are either unavailable or do not agree on the potential impact of this missense change (SIFT: "Deleterious"; PolyPhen-2: "Not Available"; Align-GVGD: "Class C0"). In summary, the available evidence is currently insufficient to determine the role of this variant in disease. Therefore, it has been classified as a Variant of Uncertain Significance.

NM_001164508.2(NEB):c.24799C>G (p.Gln8267Glu)

Genes: NEB (nebulin; minus strand), RIF1 (replication timing regulatory factor 1; plus strand). Cytogenetic location: 2q23.3.
Variant type: single nucleotide variant.
Coding change: c.24799C>G on transcript NM_001164508.2 (MANE Select); coding-DNA position 24799, C replaced by G.
Protein change: p.Gln8267Glu; replaces glutamine 8267 with glutamic acid.
Molecular consequence: missense variant.
Genome position (GRCh38, 1-based): chr2:151,492,461, G>C on the plus strand (C>G on the coding strand, the complement: NEB is on the minus strand). VCF-style: chr2-151492461-G-C. GRCh37 (hg19) VCF-style: chr2-152348975-G-C.
Other names: c.24799C>G, p.Gln8267Glu (NM_001164507.2); c.24904C>G, p.Gln8302Glu (NM_001271208.2); c.19231C>G, p.Gln6411Glu (NM_004543.5); c.19231C>G (NM_004543.4); short protein forms Q8267E, Q6411E, Q8302E.
Identifiers: ClinVar variation 1498994 (VCV001498994.4), dbSNP rs2152828559, ClinGen allele CA348774338.